The following is an entry in ClinVar:

NM_012330.4(KAT6B):c.4171G>A (p.Glu1391Lys)

Gene: KAT6B (lysine acetyltransferase 6B; plus strand). Cytogenetic location: 10q22.2.
Variant type: single nucleotide variant.
Coding change: c.4171G>A on transcript NM_012330.4 (MANE Select); coding-DNA position 4171, G replaced by A.
Protein change: p.Glu1391Lys; replaces glutamic acid 1391 with lysine.
Molecular consequence: missense variant.
Genome position (GRCh38, 1-based): chr10:75,028,995, G>A. VCF-style: chr10-75028995-G-A. GRCh37 (hg19) VCF-style: chr10-76788753-G-A.
Other names: c.3622G>A, p.Glu1208Lys (NM_001256468.2, NM_001370138.1); c.3295G>A, p.Glu1099Lys (NM_001256469.2, NM_001370139.1, NM_001370140.1 and 2 more transcripts); c.3133G>A, p.Glu1045Lys (NM_001370132.1); c.2482G>A, p.Glu828Lys (NM_001370133.1); c.2086G>A, p.Glu696Lys (NM_001370134.1); c.1828G>A, p.Glu610Lys (NM_001370135.1); c.4171G>A, p.Glu1391Lys (NM_001370136.1, NM_001370137.1); c.3106G>A, p.Glu1036Lys (NM_001370143.1, NM_001370144.1); short protein forms E1208K, E696K, E1099K, E610K, E1036K, E1391K, E828K, E1045K.
Identifiers: ClinVar variation 2915728 (VCV002915728.3), dbSNP rs1846101190, ClinGen allele CA377296194.
Genomic context (GRCh38, chr10:75,028,995, plus strand): 5'-GAAGAAGAAGGAGGAGGAAATGTAGAAAAAGATCCAGATGGTGCTAAAAGCCAAGAAAAA[G>A]AGGAACCAGAAATCTCCACGGAAAAAGAAGACTCTGCACGTTTGGATGATCACGAAGAGG-3'
Protein context (NP_036462.2, residues 1381-1401): DPDGAKSQEK[Glu1391Lys]EPEISTEKED

ClinVar aggregate classification (germline): Uncertain significance (1 of 4 stars; one submission).

Conditions:
Genitopatellar syndrome (GTPTS). Also called: ABSENT PATELLAE, SCROTAL HYPOPLASIA, RENAL ANOMALIES, FACIAL DYSMORPHISM, AND MENTAL RETARDATION; Genitopatellar syndrome (GPS). Identifiers: Orphanet 85201, MedGen C1853566, MONDO:0011640, OMIM 606170.

Allele frequency attached by ClinVar (database versions not stated): gnomAD exomes below 0.00001.
gnomAD v4.1: 1 of 1,614,032 alleles (0.000062%); highest among the groups gnomAD compares: Non-Finnish European, 0.000085%; no homozygotes.

Submission:

Labcorp Genetics (formerly Invitae), Labcorp
Classification: Uncertain significance for Genitopatellar syndrome. Last evaluated: 2023-02-27. Review status: criteria provided, single submitter. Criteria: Invitae Variant Classification Sherloc (09022015). Collection method: clinical testing. Allele origin: germline.
Comment: This variant has not been reported in the literature in individuals affected with KAT6B-related conditions. This sequence change replaces glutamic acid, which is acidic and polar, with lysine, which is basic and polar, at codon 1391 of the KAT6B protein (p.Glu1391Lys). This variant is not present in population databases (gnomAD no frequency). Advanced modeling of protein sequence and biophysical properties (such as structural, functional, and spatial information, amino acid conservation, physicochemical variation, residue mobility, and thermodynamic stability) performed at Invitae indicates that this missense variant is not expected to disrupt KAT6B protein function. In summary, the available evidence is currently insufficient to determine the role of this variant in disease. Therefore, it has been classified as a Variant of Uncertain Significance.